The following is an entry in ClinVar:

ClinVar aggregate classification (germline): Uncertain significance (1 of 4 stars; one submission).

Conditions:
Arrhythmogenic right ventricular dysplasia 12. Also called: ARRHYTHMOGENIC RIGHT VENTRICULAR DYSPLASIA, FAMILIAL, 12. Identifiers: MedGen C1969081, MONDO:0012684, OMIM 611528.
Naxos disease (NXD). Also called: WOOLLY HAIR, PALMOPLANTAR KERATODERMA, AND CARDIAC ABNORMALITIES; KERATOSIS PALMOPLANTARIS WITH ARRHYTHMOGENIC CARDIOMYOPATHY; MAL DE NAXOS; PALMOPLANTAR KERATODERMA WITH ARRHYTHMOGENIC RIGHT VENTRICULAR CARDIOMYOPATHY AND WOOLLY HAIR; CARDIOMYOPATHY, ARRHYTHMOGENIC RIGHT VENTRICULAR, WITH SKIN, HAIR, AND NAIL ABNORMALITIES. Identifiers: Orphanet 34217, MedGen C1832600, MONDO:0011017, OMIM 601214.

Submission:

Labcorp Genetics (formerly Invitae), Labcorp
Classification: Uncertain significance for Arrhythmogenic right ventricular dysplasia 12; Naxos disease. Last evaluated: 2025-05-13. Review status: criteria provided, single submitter. Criteria: Invitae Variant Classification Sherloc (09022015). Collection method: clinical testing. Allele origin: germline.
Comment: This sequence change replaces methionine, which is neutral and non-polar, with valine, which is neutral and non-polar, at codon 578 of the JUP protein (p.Met578Val). This variant is not present in population databases (gnomAD no frequency). This variant has not been reported in the literature in individuals affected with JUP-related conditions. An algorithm developed to predict the effect of missense changes on protein structure and function (PolyPhen-2) suggests that this variant is likely to be tolerated. In summary, the available evidence is currently insufficient to determine the role of this variant in disease. Therefore, it has been classified as a Variant of Uncertain Significance.

NM_002230.4(JUP):c.1732A>G (p.Met578Val)

Gene: JUP (junction plakoglobin; minus strand). Cytogenetic location: 17q21.2.
Variant type: single nucleotide variant.
Coding change: c.1732A>G on transcript NM_002230.4 (MANE Select); coding-DNA position 1732, A replaced by G.
Protein change: p.Met578Val; replaces methionine 578 with valine.
Molecular consequence: missense variant.
Genome position (GRCh38, 1-based): chr17:41,758,440, T>C on the plus strand (A>G on the coding strand, the complement: JUP is on the minus strand). VCF-style: chr17-41758440-T-C. GRCh37 (hg19) VCF-style: chr17-39914692-T-C.
Other names: c.1732A>G, p.Met578Val (NM_001352773.2, NM_001352774.2, NM_001352775.2 and 3 more transcripts); short protein forms M578V.
Identifiers: ClinVar variation 4785784 (VCV004785784.1).
Genomic context (GRCh38, chr17:41,758,440, plus strand): 5'-CCACCTGCCCCAGACTCACCTGCACAAACAGGGGAATGGTGTTGAGCCGGAAGATCTCCA[T>C]GCGGTTCATGGGGTCCCGGGCGAGGATGTGCAGTGCTCCGGTGCAGCCCTCCACAATCTC-3'
Protein context (NP_002221.1, residues 568-588): HILARDPMNR[Met578Val]EIFRLNTIPL